The following is an entry in ClinVar:

NM_001365896.1(NACA):c.2928T>C (p.Gly976=)

Gene: NACA (nascent polypeptide associated complex subunit alpha; minus strand). Cytogenetic location: 12q13.3.
Variant type: single nucleotide variant.
Coding change: c.2928T>C on transcript NM_001365896.1 (MANE Select); coding-DNA position 2928, T replaced by C.
Protein change: p.Gly976=; no amino-acid change (glycine 976 retained).
Molecular consequence: synonymous variant. On other transcripts: intron variant (6).
Genome position (GRCh38, 1-based): chr12:56,718,602, A>G on the plus strand (T>C on the coding strand, the complement: NACA is on the minus strand). VCF-style: chr12-56718602-A-G. GRCh37 (hg19) VCF-style: chr12-57112386-A-G.
Other names: c.71-3915T>C (NM_001113202.2, NM_001320194.2, NM_001320193.2 and 2 more transcripts); c.1864+935T>C (NM_001113203.3).
Identifiers: ClinVar variation 4821033 (VCV004821033.4).

ClinVar aggregate classification (germline): Likely benign (1 of 4 stars; one submission).

Submission:

CeGaT Center for Human Genetics Tuebingen
Classification: Likely benign. Last evaluated: 2026-01-01. Review status: criteria provided, single submitter. Criteria: CeGaT Center For Human Genetics Tuebingen Variant Classification Criteria Version 2. Collection method: clinical testing. Allele origin: germline. Affected: yes. Observed: 1 variant allele.
Comment: NACA: BP4, BP7